The following is an entry in ClinVar:

NM_001377405.1(ATXN7):c.2301G>A (p.Ala767=)

Gene: ATXN7 (ataxin 7; plus strand). Cytogenetic location: 3p14.1.
Variant type: single nucleotide variant.
Coding change: c.2301G>A on transcript NM_001377405.1 (MANE Select); coding-DNA position 2301, G replaced by A.
Protein change: p.Ala767=; no amino-acid change (alanine 767 retained).
Molecular consequence: synonymous variant.
Genome position (GRCh38, 1-based): chr3:63,996,123, G>A. VCF-style: chr3-63996123-G-A. GRCh37 (hg19) VCF-style: chr3-63981799-G-A.
Other names: c.2301G>A, p.Ala767= (NM_000333.4, NM_001177387.1, NM_001377406.1); c.1866G>A, p.Ala622= (NM_001128149.3).
Identifiers: ClinVar variation 2653944 (VCV002653944.25), dbSNP rs199676165, ClinGen allele CA2478804.

ClinVar aggregate classification (germline): Likely benign. Review status: criteria provided, multiple submitters, no conflicts (2 of 4 stars). 2 submissions from 2 submitters: Likely benign (2). Last evaluated 2025-01-01.

Allele frequency attached by ClinVar (database versions not stated): 1000 Genomes Project 0.00140; 1000 Genomes Project 30x 0.00141; gnomAD 0.00270; ExAC 0.00275; ESP Exome Variant Server 0.00279; TOPMed 0.00316.
gnomAD v4.1: 6,717 of 1,614,144 alleles (0.42%); highest among the groups gnomAD compares: Non-Finnish European, 0.51%; 16 homozygotes.

Submissions (2):

CeGaT Center for Human Genetics Tuebingen
Classification: Likely benign. Last evaluated: 2025-01-01. Review status: criteria provided, single submitter. Criteria: CeGaT Center For Human Genetics Tuebingen Variant Classification Criteria Version 2. Collection method: clinical testing. Allele origin: germline. Affected: yes. Observed: 3 variant alleles.
Comment: ATXN7: BP4, BP7, BS2

Blueprint Genetics
Classification: Likely benign. Last evaluated: 2024-11-19. Review status: criteria provided, single submitter. Criteria: ACMG Guidelines, 2015. Collection method: clinical testing. Allele origin: germline.